The following is an entry in ClinVar:

NM_007294.4(BRCA1):c.808C>T (p.His270Tyr)

Gene: BRCA1 (BRCA1 DNA repair associated; minus strand). Cytogenetic location: 17q21.31.
Variant type: single nucleotide variant.
Coding change: c.808C>T on transcript NM_007294.4 (MANE Select); coding-DNA position 808, C replaced by T.
Protein change: p.His270Tyr; replaces histidine 270 with tyrosine.
Molecular consequence: missense variant. On other transcripts: 5 prime UTR variant (2), intron variant (137).
Genome position (GRCh38, 1-based): chr17:43,094,723, G>A on the plus strand (C>T on the coding strand, the complement: BRCA1 is on the minus strand). VCF-style: chr17-43094723-G-A. GRCh37 (hg19) VCF-style: chr17-41246740-G-A.
Other names: c.595C>T, p.His199Tyr (NM_001407571.1, NM_001407853.1, NM_001407894.1 and 9 more transcripts); c.808C>T, p.His270Tyr (NM_001407581.1, NM_001407582.1, NM_001407583.1 and 30 more transcripts); c.805C>T, p.His269Tyr (NM_001407587.1, NM_001407590.1, NM_001407591.1 and 22 more transcripts); c.799C>T, p.His267Tyr (NM_001407646.1, NM_001407647.1); c.685C>T, p.His229Tyr (NM_001407648.1, NM_001407664.1, NM_001407665.1 and 19 more transcripts); c.682C>T, p.His228Tyr (NM_001407649.1, NM_001407670.1, NM_001407671.1 and 11 more transcripts); c.730C>T, p.His244Tyr (NM_001407653.1, NM_001407654.1, NM_001407655.1 and 4 more transcripts); c.727C>T, p.His243Tyr (NM_001407659.1, NM_001407660.1, NM_001407661.1 and 1 more transcripts); and 40 more; short protein forms H223Y, H270Y, H142Y, H159Y, H158Y, H200Y, H228Y, H229Y.
Identifiers: ClinVar variation 843295 (VCV000843295.14), dbSNP rs2054044790, ClinGen allele CA10600464.

ClinVar aggregate classification (germline): Conflicting classifications of pathogenicity. Review status: criteria provided, conflicting classifications (1 of 4 stars). 3 submissions from 3 submitters: Uncertain significance (2); Likely benign (1). Last evaluated 2024-09-11.

Conditions:
Hereditary cancer-predisposing syndrome. Also called: Hereditary Cancer Syndrome; Hereditary neoplastic syndrome; Tumor predisposition; Neoplastic Syndromes, Hereditary. Identifiers: Orphanet 140162, MedGen C0027672, MeSH D009386, MONDO:0015356.
Hereditary breast ovarian cancer syndrome. Also called: Breast and ovarian cancer; Hereditary breast and ovarian cancer syndrome; Hereditary breast and ovarian cancer syndrome (HBOC); BRCA1- and BRCA2-Associated Hereditary Breast and Ovarian Cancer; Hereditary breast and ovarian cancer; Hereditary breast and/or ovarian cancer syndrome. Identifiers: Orphanet 145, MedGen C0677776, MeSH D061325, MONDO:0003582. Disease mechanism: loss of function.

Submissions (3):

Ambry Genetics
Classification: Uncertain significance for Hereditary cancer-predisposing syndrome. Last evaluated: 2024-09-11. Review status: criteria provided, single submitter. Criteria: Ambry Variant Classification Scheme 2023. Collection method: clinical testing. Allele origin: germline.
Comment: The p.H270Y variant (also known as c.808C>T), located in coding exon 9 of the BRCA1 gene, results from a C to T substitution at nucleotide position 808. The histidine at codon 270 is replaced by tyrosine, an amino acid with similar properties. This amino acid position is not well conserved in available vertebrate species. In addition, the in silico prediction for this alteration is inconclusive. Based on the available evidence, the clinical significance of this variant remains unclear.

University of Washington Department of Laboratory Medicine, University of Washington
Classification: Likely benign for Hereditary cancer-predisposing syndrome. Last evaluated: 2023-03-23. Review status: criteria provided, single submitter. Criteria: Dines et al. (Genet Med. 2020). Collection method: curation. Allele origin: germline.
Comment: Missense variant in a coldspot region where missense variants are very unlikely to be pathogenic (PMID:31911673).

BRCA1 coldspot (exon 11 using historical exon numbering). Reclassification based on statistical prior probability

Labcorp Genetics (formerly Invitae), Labcorp
Classification: Uncertain significance for Hereditary breast ovarian cancer syndrome. Last evaluated: 2019-02-13. Review status: criteria provided, single submitter. Criteria: Invitae Variant Classification Sherloc (09022015). Collection method: clinical testing. Allele origin: germline.
Comment: This sequence change replaces histidine with tyrosine at codon 270 of the BRCA1 protein (p.His270Tyr). The histidine residue is moderately conserved and there is a moderate physicochemical difference between histidine and tyrosine. This variant is not present in population databases (ExAC no frequency). This variant has not been reported in the literature in individuals with BRCA1-related conditions. Algorithms developed to predict the effect of missense changes on protein structure and function (SIFT, PolyPhen-2, Align-GVGD) all suggest that this variant is likely to be tolerated, but these predictions have not been confirmed by published functional studies and their clinical significance is uncertain. Algorithms developed to predict the effect of sequence changes on RNA splicing suggest that this variant may create or strengthen a splice site, but this prediction has not been confirmed by published transcriptional studies. In summary, the available evidence is currently insufficient to determine the role of this variant in disease. Therefore, it has been classified as a Variant of Uncertain Significance.